The following is an entry in ClinVar:

ClinVar aggregate classification (germline): Uncertain significance. Review status: criteria provided, multiple submitters, no conflicts (2 of 4 stars). 2 submissions from 2 submitters: Uncertain significance (2). Last evaluated 2025-08-14.

Conditions:
Inborn genetic diseases. Identifiers: MedGen C0950123, MeSH D030342.

Allele frequency attached by ClinVar (database versions not stated): ExAC 0.00001; gnomAD exomes 0.00001 and 0.00002; TOPMed 0.00001.
gnomAD v4.1: 5 of 1,612,530 alleles (0.00031%); highest among the groups gnomAD compares: Admixed American, 0.0067%; no homozygotes.

Submissions (2):

Ambry Genetics
Classification: Uncertain significance for Inborn genetic diseases. Last evaluated: 2025-08-14. Review status: criteria provided, single submitter. Criteria: Ambry Variant Classification Scheme 2023. Collection method: clinical testing. Allele origin: germline.

Labcorp Genetics (formerly Invitae), Labcorp
Classification: Uncertain significance. Last evaluated: 2021-04-02. Review status: criteria provided, single submitter. Criteria: Invitae Variant Classification Sherloc (09022015). Collection method: clinical testing. Allele origin: germline.
Comment: This sequence change replaces isoleucine with methionine at codon 859 of the MPDZ protein (p.Ile859Met). The isoleucine residue is moderately conserved and there is a small physicochemical difference between isoleucine and methionine. This variant is present in population databases (rs780324349, ExAC 0.009%). In summary, the available evidence is currently insufficient to determine the role of this variant in disease. Therefore, it has been classified as a Variant of Uncertain Significance. Algorithms developed to predict the effect of missense changes on protein structure and function output the following: SIFT: "Tolerated"; PolyPhen-2: "Benign"; Align-GVGD: "Class C0". The methionine amino acid residue is found in multiple mammalian species, suggesting that this missense change does not adversely affect protein function. These predictions have not been confirmed by published functional studies and their clinical significance is uncertain. This variant has not been reported in the literature in individuals with MPDZ-related conditions.

NM_001378778.1(MPDZ):c.2577T>G (p.Ile859Met)

Gene: MPDZ (multiple PDZ domain crumbs cell polarity complex component; minus strand). Cytogenetic location: 9p23.
Variant type: single nucleotide variant.
Coding change: c.2577T>G on transcript NM_001378778.1 (MANE Select); coding-DNA position 2577, T replaced by G.
Protein change: p.Ile859Met; replaces isoleucine 859 with methionine.
Molecular consequence: missense variant.
Genome position (GRCh38, 1-based): chr9:13,183,490, A>C on the plus strand (T>G on the coding strand, the complement: MPDZ is on the minus strand). VCF-style: chr9-13183490-A-C. GRCh37 (hg19) VCF-style: chr9-13183489-A-C.
Other names: c.2577T>G, p.Ile859Met (NM_001261406.2, NM_001261407.2, NM_001330637.2 and 14 more transcripts); c.2577T>G (NM_003829.3); short protein forms I859M.
Identifiers: ClinVar variation 1522185 (VCV001522185.9), dbSNP rs780324349, ClinGen allele CA4987413.